The following is an entry in ClinVar:

NM_003687.4(PDLIM4):c.607G>A (p.Ala203Thr)

Gene: PDLIM4 (PDZ and LIM domain 4; plus strand). Cytogenetic location: 5q31.1.
Variant type: single nucleotide variant.
Coding change: c.607G>A on transcript NM_003687.4 (MANE Select); coding-DNA position 607, G replaced by A.
Protein change: p.Ala203Thr; replaces alanine 203 with threonine.
Molecular consequence: missense variant.
Genome position (GRCh38, 1-based): chr5:132,271,403, G>A. VCF-style: chr5-132271403-G-A. GRCh37 (hg19) VCF-style: chr5-131607096-G-A.
Other names: c.607G>A, p.Ala203Thr (NM_001131027.2); short protein forms A203T.
Identifiers: ClinVar variation 4083761 (VCV004083761.8).
Genomic context (GRCh38, chr5:132,271,403, plus strand): 5'-AGAGTCGACCTGGGCTCCGAGGTGTACAGGATGCTGCGGGAGCCAGCCGAGCCCGTGGCC[G>A]CGGAGCCCAAGCAGTCAGGCTCCTTCCGCTACTTGCAGGGCATGCTAGAGGCCGGCGAGG-3'
Protein context (NP_003678.2, residues 193-213): MLREPAEPVA[Ala203Thr]EPKQSGSFRY

ClinVar aggregate classification (germline): Likely benign (1 of 4 stars; one submission).

gnomAD v4.1: 4,770 of 1,608,444 alleles (0.3%); highest among the groups gnomAD compares: Non-Finnish European, 0.35%; 9 homozygotes.

Submission:

CeGaT Center for Human Genetics Tuebingen
Classification: Likely benign. Last evaluated: 2025-07-01. Review status: criteria provided, single submitter. Criteria: CeGaT Center For Human Genetics Tuebingen Variant Classification Criteria Version 2. Collection method: clinical testing. Allele origin: germline. Affected: yes. Observed: 1 variant allele.
Comment: PDLIM4: BP4